The following is an entry in ClinVar:

ClinVar aggregate classification (germline): Uncertain significance (1 of 4 stars; one submission).

Conditions:
Inborn genetic diseases. Identifiers: MedGen C0950123, MeSH D030342.

Submission:

Ambry Genetics
Classification: Uncertain significance for Inborn genetic diseases. Last evaluated: 2019-01-23. Review status: criteria provided, single submitter. Criteria: Ambry Variant Classification Scheme 2023. Collection method: clinical testing. Allele origin: germline.
Comment: The p.E144G variant (also known as c.431A>G), located in coding exon 3 of the FOLR1 gene, results from an A to G substitution at nucleotide position 431. The glutamic acid at codon 144 is replaced by glycine, an amino acid with similar properties. This amino acid position is well conserved in available vertebrate species. In addition, the in silico prediction for this alteration is inconclusive. Since supporting evidence is limited at this time, the clinical significance of this alteration remains unclear.

NM_016729.3(FOLR1):c.431A>G (p.Glu144Gly)

Genes: FOLR1 (folate receptor alpha; plus strand), FOLR1-AS1 (FOLR1 antisense RNA 1; minus strand). Cytogenetic location: 11q13.4.
Variant type: single nucleotide variant.
Coding change: c.431A>G on transcript NM_016729.3 (MANE Select); coding-DNA position 431, A replaced by G.
Protein change: p.Glu144Gly; replaces glutamic acid 144 with glycine.
Molecular consequence: missense variant.
Genome position (GRCh38, 1-based): chr11:72,195,685, A>G. VCF-style: chr11-72195685-A-G. GRCh37 (hg19) VCF-style: chr11-71906729-A-G.
Other names: c.431A>G, p.Glu144Gly (NM_000802.3, NM_016724.3, NM_016725.3 and 1 more transcripts); short protein forms E144G.
Identifiers: ClinVar variation 1739679 (VCV001739679.2), dbSNP rs2539132242, ClinGen allele CA381733399.